The following is an entry in ClinVar:

ClinVar aggregate classification (germline): Likely benign (1 of 4 stars; one submission).

Allele frequency attached by ClinVar (database versions not stated): ExAC 0.00004; 1000 Genomes Project 0.00020; gnomAD 0.00001; gnomAD exomes 0.00002; 1000 Genomes Project 30x 0.00016.
gnomAD v4.1: 31 of 1,613,656 alleles (0.0019%); highest among the groups gnomAD compares: South Asian, 0.033%; no homozygotes.

Submission:

CeGaT Center for Human Genetics Tuebingen
Classification: Likely benign. Last evaluated: 2022-10-01. Review status: criteria provided, single submitter. Criteria: CeGaT Center For Human Genetics Tuebingen Variant Classification Criteria Version 2. Collection method: clinical testing. Allele origin: germline. Affected: yes. Observed: 1 variant allele.
Comment: MNS1: BP4

NM_018365.4(MNS1):c.1348A>C (p.Lys450Gln)

Genes: MNS1 (meiosis specific nuclear structural 1; minus strand), TEX9 (testis expressed 9; plus strand). Cytogenetic location: 15q21.3.
Variant type: single nucleotide variant.
Coding change: c.1348A>C on transcript NM_018365.4 (MANE Select); coding-DNA position 1348, A replaced by C.
Protein change: p.Lys450Gln; replaces lysine 450 with glutamine.
Molecular consequence: missense variant. On other transcripts: intron variant (3).
Genome position (GRCh38, 1-based): chr15:56,431,420, T>G on the plus strand (A>C on the coding strand, the complement: MNS1 is on the minus strand). VCF-style: chr15-56431420-T-G. GRCh37 (hg19) VCF-style: chr15-56723618-T-G.
Other names: c.*29+2947T>G (NM_001385043.1, NM_001286449.2, NM_198524.3); short protein forms K450Q.
Identifiers: ClinVar variation 2645376 (VCV002645376.22), dbSNP rs528031232, ClinGen allele CA7579277.